The following is an entry in ClinVar:

ClinVar aggregate classification (germline): Uncertain significance. Review status: criteria provided, multiple submitters, no conflicts (2 of 4 stars). 4 submissions from 4 submitters: Uncertain significance (4). Last evaluated 2025-10-01.

Conditions:
Inborn genetic diseases. Identifiers: MedGen C0950123, MeSH D030342.
Hermansky-Pudlak syndrome 3 (HPS3). Identifiers: Orphanet 231512, Orphanet 79430, MedGen C3888001, MONDO:0013555, OMIM 614072.

Allele frequency attached by ClinVar (database versions not stated): TOPMed below 0.00001; ExAC 0.00002; gnomAD exomes 0.00004 and 0.00008.

Submissions (4):

Ambry Genetics
Classification: Uncertain significance for Inborn genetic diseases. Last evaluated: 2025-10-01. Review status: criteria provided, single submitter. Criteria: Ambry Variant Classification Scheme 2023. Collection method: clinical testing. Allele origin: germline.

Revvity Omics, Revvity
Classification: Uncertain significance for Hermansky-Pudlak syndrome 3. Last evaluated: 2023-11-01. Review status: criteria provided, single submitter. Criteria: ACMG Guidelines, 2015. Collection method: clinical testing. Allele origin: germline.

Labcorp Genetics (formerly Invitae), Labcorp
Classification: Uncertain significance. Last evaluated: 2022-04-12. Review status: criteria provided, single submitter. Criteria: Invitae Variant Classification Sherloc (09022015). Collection method: clinical testing. Allele origin: germline.
Comment: This sequence change replaces valine, which is neutral and non-polar, with glycine, which is neutral and non-polar, at codon 113 of the HPS3 protein (p.Val113Gly). This variant is present in population databases (rs763529688, gnomAD 0.06%). This variant has not been reported in the literature in individuals affected with HPS3-related conditions. ClinVar contains an entry for this variant (Variation ID: 902240). Algorithms developed to predict the effect of missense changes on protein structure and function are either unavailable or do not agree on the potential impact of this missense change (SIFT: "Deleterious"; PolyPhen-2: "Probably Damaging"; Align-GVGD: "Class C0"). In summary, the available evidence is currently insufficient to determine the role of this variant in disease. Therefore, it has been classified as a Variant of Uncertain Significance.

Illumina Laboratory Services, Illumina
Classification: Uncertain significance for Hermansky-Pudlak syndrome 3. Last evaluated: 2018-01-13. Review status: criteria provided, single submitter. Criteria: ICSL Variant Classification Criteria 13 December 2019. Collection method: clinical testing. Allele origin: germline.

NM_032383.5(HPS3):c.338T>G (p.Val113Gly)

Gene: HPS3 (HPS3 biogenesis of lysosomal organelles complex 2 subunit 1; plus strand). Cytogenetic location: 3q24.
Variant type: single nucleotide variant.
Coding change: c.338T>G on transcript NM_032383.5 (MANE Select); coding-DNA position 338, T replaced by G.
Protein change: p.Val113Gly; replaces valine 113 with glycine.
Molecular consequence: missense variant. On other transcripts: intron variant (1).
Genome position (GRCh38, 1-based): chr3:149,140,124, T>G. VCF-style: chr3-149140124-T-G. GRCh37 (hg19) VCF-style: chr3-148857911-T-G.
Other names: c.218-893T>G (NM_001308258.2); short protein forms V113G.
Identifiers: ClinVar variation 902240 (VCV000902240.10), dbSNP rs763529688, ClinGen allele CA2659780.